The following is an entry in ClinVar:

ClinVar aggregate classification (germline): Uncertain significance (1 of 4 stars; one submission).

Conditions:
Hypertrophic cardiomyopathy 9. Also called: Familial hypertrophic cardiomyopathy 9. Identifiers: MedGen C1861065, MONDO:0013412, OMIM 613765.
Myopathy, myofibrillar, 9, with early respiratory failure (MFM9). Also called: Hereditary myopathy with early respiratory failure; EDSTROM MYOPATHY; MYOPATHY, PROXIMAL, WITH EARLY RESPIRATORY MUSCLE INVOLVEMENT; Myopathy, distal, with early respiratory failure, autosomal dominant. Identifiers: Orphanet 178464, Orphanet 34521, MedGen C1863599, MONDO:0011362, OMIM 603689.
Early-onset myopathy with fatal cardiomyopathy (CMYO5). Also called: CONGENITAL MYOPATHY 5 WITH CARDIOMYOPATHY; Salih Myopathy. Identifiers: Orphanet 289377, MedGen C2673677, MONDO:0012714, OMIM 611705. Disease mechanism: loss of function.
Autosomal recessive limb-girdle muscular dystrophy type 2J (LGMDR10). Also called: Limb-girdle muscular dystrophy, type 2J; MUSCULAR DYSTROPHY, LIMB-GIRDLE, AUTOSOMAL RECESSIVE 10. Identifiers: Orphanet 140922, MedGen C1837342, MONDO:0012127, OMIM 608807.
Dilated cardiomyopathy 1G (CMD1G). Identifiers: Orphanet 154, MedGen C1858763, MONDO:0011400, OMIM 604145.
Tibial muscular dystrophy (TMD). Also called: UDD MYOPATHY; Udd Distal Myopathy – Tibial Muscular Dystrophy; Tibial muscular dystrophy, tardive. Identifiers: Orphanet 609, MedGen C1838244, MONDO:0010870, OMIM 600334.

gnomAD v4.1: 1 of 1,610,198 alleles (0.000062%); highest among the groups gnomAD compares: Non-Finnish European, 0.000085%; no homozygotes.

Submission:

Juno Genomics, Hangzhou Juno Genomics, Inc
Classification: Uncertain significance for Tibial muscular dystrophy; Early-onset myopathy with fatal cardiomyopathy; Dilated cardiomyopathy 1G; Hypertrophic cardiomyopathy 9; Autosomal recessive limb-girdle muscular dystrophy type 2J; Myopathy, myofibrillar, 9, with early respiratory failure. Review status: criteria provided, single submitter. Criteria: ACMG Guidelines, 2015. Collection method: clinical testing. Allele origin: germline.
Comment: Absent from controls (or at extremely low frequency if recessive) in Genome Aggregation Database.;Missense variant in a gene that has a low rate of benign missense variation.;Multiple lines of computational evidence suggest no impact on gene or gene product.

NM_001267550.2(TTN):c.46447A>G (p.Ile15483Val)

Genes: TTN (titin; minus strand), TTN-AS1 (TTN antisense RNA 1; plus strand). Cytogenetic location: 2q31.2.
Variant type: single nucleotide variant.
Coding change: c.46447A>G on transcript NM_001267550.2 (MANE Select); coding-DNA position 46447, A replaced by G.
Protein change: p.Ile15483Val; replaces isoleucine 15483 with valine.
Molecular consequence: missense variant. On other transcripts: non-coding transcript variant (1).
Genome position (GRCh38, 1-based): chr2:178,619,870, T>C on the plus strand (A>G on the coding strand, the complement: TTN is on the minus strand). VCF-style: chr2-178619870-T-C. GRCh37 (hg19) VCF-style: chr2-179484597-T-C.
Other names: c.41524A>G, p.Ile13842Val (NM_001256850.1); c.19252A>G, p.Ile6418Val (NM_003319.4); c.38743A>G, p.Ile12915Val (NM_133378.4); c.19627A>G, p.Ile6543Val (NM_133432.3); c.19828A>G, p.Ile6610Val (NM_133437.4); short protein forms I12915V, I15483V, I6543V, I13842V, I6610V, I6418V.
Identifiers: ClinVar variation 5006150 (VCV005006150.2).